The following is an entry in ClinVar:

NM_022436.3(ABCG5):c.412C>A (p.Leu138Met)

Gene: ABCG5 (ATP binding cassette subfamily G member 5; minus strand). Cytogenetic location: 2p21.
Variant type: single nucleotide variant.
Coding change: c.412C>A on transcript NM_022436.3 (MANE Select); coding-DNA position 412, C replaced by A.
Protein change: p.Leu138Met; replaces leucine 138 with methionine.
Molecular consequence: missense variant.
Genome position (GRCh38, 1-based): chr2:43,831,858, G>T on the plus strand (C>A on the coding strand, the complement: ABCG5 is on the minus strand). VCF-style: chr2-43831858-G-T. GRCh37 (hg19) VCF-style: chr2-44058997-G-T.
Other names: short protein forms L138M.
Identifiers: ClinVar variation 3415983 (VCV003415983.1).

ClinVar aggregate classification (germline): Uncertain significance (1 of 4 stars; one submission).

Conditions:
Cardiovascular phenotype. Identifiers: MedGen CN230736.

gnomAD v4.1: 14 of 1,578,576 alleles (0.00089%); highest among the groups gnomAD compares: Non-Finnish European, 0.0011%; no homozygotes.

Submission:

Ambry Genetics
Classification: Uncertain significance for Cardiovascular phenotype. Last evaluated: 2024-09-20. Review status: criteria provided, single submitter. Criteria: Ambry Variant Classification Scheme 2023. Collection method: clinical testing. Allele origin: germline.
Comment: The p.L138M variant (also known as c.412C>A), located in coding exon 4 of the ABCG5 gene, results from a C to A substitution at nucleotide position 412. The leucine at codon 138 is replaced by methionine, an amino acid with highly similar properties. This amino acid position is conserved. In addition, the in silico prediction for this alteration is inconclusive. Based on the available evidence, the clinical significance of this variant remains unclear.